The following is an entry in ClinVar:

NM_002979.5(SCP2):c.111C>A (p.Asp37Glu)

Gene: SCP2 (sterol carrier protein 2; plus strand). Cytogenetic location: 1p32.3.
Variant type: single nucleotide variant.
Coding change: c.111C>A on transcript NM_002979.5 (MANE Select); coding-DNA position 111, C replaced by A.
Protein change: p.Asp37Glu; replaces aspartic acid 37 with glutamic acid.
Molecular consequence: missense variant. On other transcripts: intron variant (1).
Genome position (GRCh38, 1-based): chr1:52,941,837, C>A. VCF-style: chr1-52941837-C-A. GRCh37 (hg19) VCF-style: chr1-53407509-C-A.
Other names: c.111C>A, p.Asp37Glu (NM_001007098.3, NM_001193599.2, NM_001193600.2 and 1 more transcripts); c.-116-6172C>A (NM_001193617.2); short protein forms D37E.
Identifiers: ClinVar variation 1920480 (VCV001920480.2), dbSNP rs763468393, ClinGen allele CA857013.

ClinVar aggregate classification (germline): Uncertain significance (1 of 4 stars; one submission).

Allele frequency attached by ClinVar (database versions not stated): ExAC 0.00001; gnomAD 0.00001; TOPMed 0.00001.
gnomAD v4.1: 18 of 1,606,332 alleles (0.0011%); highest among the groups gnomAD compares: Non-Finnish European, 0.0014%; no homozygotes.

Submission:

Labcorp Genetics (formerly Invitae), Labcorp
Classification: Uncertain significance. Last evaluated: 2022-06-13. Review status: criteria provided, single submitter. Criteria: Invitae Variant Classification Sherloc (09022015). Collection method: clinical testing. Allele origin: germline.
Comment: This sequence change replaces aspartic acid, which is acidic and polar, with glutamic acid, which is acidic and polar, at codon 37 of the SCP2 protein (p.Asp37Glu). This variant is present in population databases (rs763468393, gnomAD 0.004%). This variant has not been reported in the literature in individuals affected with SCP2-related conditions. Algorithms developed to predict the effect of missense changes on protein structure and function output the following: SIFT: "Deleterious"; PolyPhen-2: "Benign"; Align-GVGD: "Class C0". The glutamic acid amino acid residue is found in multiple mammalian species, which suggests that this missense change does not adversely affect protein function. In summary, the available evidence is currently insufficient to determine the role of this variant in disease. Therefore, it has been classified as a Variant of Uncertain Significance.